The following is an entry in ClinVar:

ClinVar aggregate classification (germline): Likely benign. Review status: criteria provided, multiple submitters, no conflicts (2 of 4 stars). 3 submissions from 3 submitters: Likely benign (3). Last evaluated 2025-11-06.

Conditions:
Inborn genetic diseases. Identifiers: MedGen C0950123, MeSH D030342.
Neuropathy, hereditary sensory, type 1F. Also called: HSN IF; Hereditary sensory neuropathy type IF. Identifiers: Orphanet 36386, MedGen C3810194, MONDO:0014286, OMIM 615632.
ATL3-related disorder. Also called: ATL3-related condition.

Allele frequency attached by ClinVar (database versions not stated): gnomAD exomes 0.00005; ExAC 0.00006; TOPMed 0.00010; gnomAD 0.00019.
gnomAD v4.1: 166 of 1,613,068 alleles (0.01%); highest among the groups gnomAD compares: African/African-American, 0.037%; no homozygotes.

Submissions (3):

PreventionGenetics, part of Exact Sciences
Classification: Likely benign for ATL3-related condition. Last evaluated: 2025-11-06. Review status: criteria provided, single submitter. Criteria: ACMG Guidelines, 2015. Collection method: clinical testing. Allele origin: germline.
Comment: This variant is classified as likely benign based on ACMG/AMP sequence variant interpretation guidelines (Richards et al. 2015 PMID: 25741868, with internal and published modifications).

Labcorp Genetics (formerly Invitae), Labcorp
Classification: Likely benign for Neuropathy, hereditary sensory, type 1F. Last evaluated: 2025-01-06. Review status: criteria provided, single submitter. Criteria: Invitae Variant Classification Sherloc (09022015). Collection method: clinical testing. Allele origin: germline.

Ambry Genetics
Classification: Likely benign for Inborn genetic diseases. Last evaluated: 2023-03-09. Review status: criteria provided, single submitter. Criteria: Ambry Variant Classification Scheme 2023. Collection method: clinical testing. Allele origin: germline.

NM_015459.5(ATL3):c.47-4A>T

Gene: ATL3 (atlastin GTPase 3; minus strand). Cytogenetic location: 11q13.1.
Variant type: single nucleotide variant.
Coding change: c.47-4A>T on transcript NM_015459.5 (MANE Select); 4 bases into the intron before coding-DNA position 47, A replaced by T.
Molecular consequence: intron variant.
Genome position (GRCh38, 1-based): chr11:63,659,256, T>A on the plus strand (A>T on the coding strand, the complement: ATL3 is on the minus strand). VCF-style: chr11-63659256-T-A. GRCh37 (hg19) VCF-style: chr11-63426728-T-A.
Other names: c.47-4A>T (NM_015459.3); c.-8-4A>T (NM_001290048.2).
Identifiers: ClinVar variation 541690 (VCV000541690.13), dbSNP rs371691729, ClinGen allele CA6063885.